The following is an entry in ClinVar:

ClinVar aggregate classification (germline): Likely benign (1 of 4 stars; one submission).

gnomAD v4.1: 6 of 1,609,150 alleles (0.00037%); highest among the groups gnomAD compares: Non-Finnish European, 0.00051%; no homozygotes.

Submission:

Mayo Clinic Laboratories, Mayo Clinic
Classification: Likely benign. Last evaluated: 2025-12-05. Review status: criteria provided, single submitter. Criteria: ACMG Guidelines, 2015. Collection method: clinical testing. Allele origin: germline. Observed: 1 variant allele.
Comment: BP4, BP7, PM2_supporting

NM_001232.4(CASQ2):c.1014+8T>A

Gene: CASQ2 (calsequestrin 2; minus strand). Cytogenetic location: 1p13.1.
Variant type: single nucleotide variant.
Coding change: c.1014+8T>A on transcript NM_001232.4 (MANE Select); 8 bases into the intron after coding-DNA position 1014, T replaced by A.
Molecular consequence: intron variant.
Genome position (GRCh38, 1-based): chr1:115,702,913, A>T on the plus strand (T>A on the coding strand, the complement: CASQ2 is on the minus strand). VCF-style: chr1-115702913-A-T. GRCh37 (hg19) VCF-style: chr1-116245534-A-T.
Other names: p.?.
Identifiers: ClinVar variation 4683393 (VCV004683393.1).
Genomic context (GRCh38, chr1:115,702,913, plus strand): 5'-CTAAGCTGTGTAGCAGAAGACAGGGCAGGCCAAGGGTGCCTGAGCAAGCCTTCACAGGGG[A>T]TACTCACATCTGTGACATTCACCACCCCAATCTGTGGCCTGAATAGGTCAATCTTGAAAG-3'